The following is an entry in ClinVar:

ClinVar aggregate classification (germline): Likely benign. Review status: criteria provided, multiple submitters, no conflicts (2 of 4 stars). 5 submissions from 5 submitters: Likely benign (5). Last evaluated 2025-10-01.

Conditions:
Familial thoracic aortic aneurysm and aortic dissection (TAAD). Also called: Thoracic aortic aneurysms and dissections. Identifiers: Orphanet 91387, MedGen C4707243, MONDO:0019625.
Aortic aneurysm, familial thoracic 4 (AAT4). Also called: AORTIC ANEURYSM/AORTIC DISSECTION AND PATENT DUCTUS ARTERIOSUS. Identifiers: MedGen C1851504, MONDO:0007568, OMIM 132900.

Allele frequency attached by ClinVar (database versions not stated): ExAC 0.00001; gnomAD exomes 0.00001.
gnomAD v4.1: 11 of 1,613,930 alleles (0.00068%); highest among the groups gnomAD compares: Admixed American, 0.0017%; no homozygotes.

Submissions (5):

Labcorp Genetics (formerly Invitae), Labcorp
Classification: Likely benign for Aortic aneurysm, familial thoracic 4. Last evaluated: 2025-10-01. Review status: criteria provided, single submitter. Criteria: Invitae Variant Classification Sherloc (09022015). Collection method: clinical testing. Allele origin: germline.

Ambry Genetics
Classification: Likely benign for Familial thoracic aortic aneurysm and aortic dissection. Last evaluated: 2024-02-06. Review status: criteria provided, single submitter. Criteria: Ambry Variant Classification Scheme 2023. Collection method: clinical testing. Allele origin: germline.

All of Us Research Program, National Institutes of Health
Classification: Likely benign for Familial thoracic aortic aneurysm and aortic dissection. Last evaluated: 2023-12-15. Review status: criteria provided, single submitter. Criteria: ACMG Guidelines, 2015. Collection method: clinical testing. Allele origin: germline. Inheritance: Autosomal dominant inheritance. Observed: 8 variant alleles, 8 heterozygotes.
Comment: This study involves interpretation of variants in research participants for the purpose of population health screening. Participant phenotype was not available at the time of variant classification. Additional details can be found in publication PMID: 35346344, PMCID: PMC8962531

Color Diagnostics, LLC DBA Color Health
Classification: Likely benign for Familial thoracic aortic aneurysm and aortic dissection. Last evaluated: 2018-11-25. Review status: criteria provided, single submitter. Criteria: ACMG Guidelines, 2015. Collection method: clinical testing. Allele origin: germline.

GeneDx
Classification: Likely benign. Last evaluated: 2018-11-05. Review status: criteria provided, single submitter. Criteria: GeneDx Variant Classification Process June 2021. Collection method: clinical testing. Allele origin: germline. Affected: yes.

NM_002474.3(MYH11):c.2076G>A (p.Ala692=)

Gene: MYH11 (myosin heavy chain 11; minus strand). Cytogenetic location: 16p13.11.
Variant type: single nucleotide variant.
Coding change: c.2076G>A on transcript NM_002474.3 (MANE Select); coding-DNA position 2076, G replaced by A.
Protein change: p.Ala692=; no amino-acid change (alanine 692 retained).
Molecular consequence: synonymous variant.
Genome position (GRCh38, 1-based): chr16:15,748,151, C>T on the plus strand (G>A on the coding strand, the complement: MYH11 is on the minus strand). VCF-style: chr16-15748151-C-T. GRCh37 (hg19) VCF-style: chr16-15842008-C-T.
Other names: c.2097G>A, p.Ala699= (NM_001040113.2, NM_001040114.2); c.2076G>A, p.Ala692= (NM_022844.3).
Identifiers: ClinVar variation 390339 (VCV000390339.16), dbSNP rs760143947, ClinGen allele CA7922392.